The following is an entry in ClinVar:

ClinVar aggregate classification (germline): Uncertain significance. Review status: criteria provided, multiple submitters, no conflicts (2 of 4 stars). 2 submissions from 2 submitters: Uncertain significance (2). Last evaluated 2025-12-30.

Conditions:
Cardiac anomalies - developmental delay - facial dysmorphism syndrome (MRFACD). Also called: MED13L Syndrome; Impaired intellectual development and distinctive facial features with or without cardiac defects. Identifiers: Orphanet 369891, MedGen C5192431, MONDO:0014773, OMIM 616789.

Submissions (2):

3billion
Classification: Uncertain significance for Cardiac anomalies - developmental delay - facial dysmorphism syndrome. Last evaluated: 2025-12-30. Review status: criteria provided, single submitter. Criteria: ACMG Guidelines, 2015. Collection method: clinical testing. Allele origin: germline. Affected: yes.
Comment: The variant is not observed in the gnomAD v4.1.0 dataset. Predicted Consequence/Location: Missense variant In silico tool predictions suggest damaging effect of the variant on gene or gene product [REVEL: 0.95 (>=0.6, sensitivity 0.68 and specificity 0.92); 3Cnet: 0.97 (> 0.75, sensitivity 0.96 and precision 0.92)]. The variant has been reported as of uncertain significance (ClinVar ID: VCV001285473). Different missense changes at the same codon have been reported as of uncertain significance (ClinVar ID: VCV003369223). Therefore, this variant is classified as VUS according to the recommendation of ACMG/AMP guideline.

Institute of Human Genetics, University of Leipzig Medical Center
Classification: Uncertain significance for Cardiac anomalies - developmental delay - facial dysmorphism syndrome. Last evaluated: 2020-12-03. Review status: criteria provided, single submitter. Criteria: ACMG Guidelines, 2015. Collection method: clinical testing. Allele origin: de novo. Affected: yes.
Comment: Despite strong evidence for its pathogenicity, this variant has to be classified as of unknown significance, according to the ACMG-criteria (Richards et al., 2015). This variant was identified as de novo (maternity and paternity confirmed).

NM_015335.5(MED13L):c.6577C>A (p.Pro2193Thr)

Gene: MED13L (mediator complex subunit 13L; minus strand). Cytogenetic location: 12q24.21.
Variant type: single nucleotide variant.
Coding change: c.6577C>A on transcript NM_015335.5 (MANE Select); coding-DNA position 6577, C replaced by A.
Protein change: p.Pro2193Thr; replaces proline 2193 with threonine.
Molecular consequence: missense variant.
Genome position (GRCh38, 1-based): chr12:115,961,322, G>T on the plus strand (C>A on the coding strand, the complement: MED13L is on the minus strand). VCF-style: chr12-115961322-G-T. GRCh37 (hg19) VCF-style: chr12-116399127-G-T.
Other names: short protein forms P2193T.
Identifiers: ClinVar variation 1285473 (VCV001285473.2), dbSNP rs2137182119, ClinGen allele CA386872563.